The following is an entry in ClinVar:

NM_013275.6(ANKRD11):c.7057C>A (p.Pro2353Thr)

Gene: ANKRD11 (ankyrin repeat domain 11; minus strand). Cytogenetic location: 16q24.3.
Variant type: single nucleotide variant.
Coding change: c.7057C>A on transcript NM_013275.6 (MANE Select); coding-DNA position 7057, C replaced by A.
Protein change: p.Pro2353Thr; replaces proline 2353 with threonine.
Molecular consequence: missense variant.
Genome position (GRCh38, 1-based): chr16:89,279,485, G>T on the plus strand (C>A on the coding strand, the complement: ANKRD11 is on the minus strand). VCF-style: chr16-89279485-G-T. GRCh37 (hg19) VCF-style: chr16-89345893-G-T.
Other names: c.7057C>A, p.Pro2353Thr (NM_001256182.2, NM_001256183.2); short protein forms P2353T.
Identifiers: ClinVar variation 2013199 (VCV002013199.4), dbSNP rs2033975891, ClinGen allele CA397149419.

ClinVar aggregate classification (germline): Uncertain significance (1 of 4 stars; one submission).

Conditions:
KBG syndrome (KBGS). Also called: ANKRD11-Related KBG Syndrome. Identifiers: Orphanet 2332, MedGen C0220687, MONDO:0007846, OMIM 148050.

Allele frequency attached by ClinVar (database versions not stated): gnomAD exomes below 0.00001.
gnomAD v4.1: 2 of 1,360,296 alleles (0.00015%); highest among the groups gnomAD compares: Non-Finnish European, 0.0002%; no homozygotes.

Submission:

Labcorp Genetics (formerly Invitae), Labcorp
Classification: Uncertain significance for KBG syndrome. Last evaluated: 2024-12-10. Review status: criteria provided, single submitter. Criteria: Invitae Variant Classification Sherloc (09022015). Collection method: clinical testing. Allele origin: germline.
Comment: This sequence change replaces proline, which is neutral and non-polar, with threonine, which is neutral and polar, at codon 2353 of the ANKRD11 protein (p.Pro2353Thr). This variant is not present in population databases (gnomAD no frequency). This variant has not been reported in the literature in individuals affected with ANKRD11-related conditions. ClinVar contains an entry for this variant (Variation ID: 2013199). Invitae Evidence Modeling of protein sequence and biophysical properties (such as structural, functional, and spatial information, amino acid conservation, physicochemical variation, residue mobility, and thermodynamic stability) indicates that this missense variant is not expected to disrupt ANKRD11 protein function with a negative predictive value of 95%. In summary, the available evidence is currently insufficient to determine the role of this variant in disease. Therefore, it has been classified as a Variant of Uncertain Significance.